The following is an entry in ClinVar:

NM_015665.6(AAAS):c.409G>T (p.Glu137Ter)

Gene: AAAS (aladin WD repeat nucleoporin; minus strand). Cytogenetic location: 12q13.13.
Variant type: single nucleotide variant.
Coding change: c.409G>T on transcript NM_015665.6 (MANE Select); coding-DNA position 409, G replaced by T.
Protein change: p.Glu137Ter; replaces glutamic acid 137 with a stop codon.
Molecular consequence: nonsense.
Genome position (GRCh38, 1-based): chr12:53,315,131, C>A on the plus strand (G>T on the coding strand, the complement: AAAS is on the minus strand). VCF-style: chr12-53315131-C-A. GRCh37 (hg19) VCF-style: chr12-53708915-C-A.
Other names: c.409G>T, p.Glu137Ter (NM_001173466.2); short protein forms E137*.
Identifiers: ClinVar variation 2696163 (VCV002696163.3), dbSNP rs767269111, ClinGen allele CA385044052.

ClinVar aggregate classification (germline): Pathogenic (1 of 4 stars; one submission).

Submission:

Labcorp Genetics (formerly Invitae), Labcorp
Classification: Pathogenic. Last evaluated: 2023-11-15. Review status: criteria provided, single submitter. Criteria: Invitae Variant Classification Sherloc (09022015). Collection method: clinical testing. Allele origin: germline.
Comment: This sequence change creates a premature translational stop signal (p.Glu137*) in the AAAS gene. It is expected to result in an absent or disrupted protein product. Loss-of-function variants in AAAS are known to be pathogenic (PMID: 11159947). This variant is not present in population databases (gnomAD no frequency). This variant has not been reported in the literature in individuals affected with AAAS-related conditions. Algorithms developed to predict the effect of sequence changes on RNA splicing suggest that this variant may disrupt the consensus splice site. For these reasons, this variant has been classified as Pathogenic.

Literature cited by the submitters: PubMed 11159947.